The following is an entry in ClinVar:

NM_001199107.2(TBC1D24):c.508G>A (p.Asp170Asn)

Gene: TBC1D24 (TBC1 domain family member 24; plus strand). Cytogenetic location: 16p13.3.
Variant type: single nucleotide variant.
Coding change: c.508G>A on transcript NM_001199107.2 (MANE Select); coding-DNA position 508, G replaced by A.
Protein change: p.Asp170Asn; replaces aspartic acid 170 with asparagine.
Molecular consequence: missense variant.
Genome position (GRCh38, 1-based): chr16:2,496,656, G>A. VCF-style: chr16-2496656-G-A. GRCh37 (hg19) VCF-style: chr16-2546657-G-A.
Other names: c.508G>A, p.Asp170Asn (NM_020705.3); short protein forms D170N.
Identifiers: ClinVar variation 2101456 (VCV002101456.4), dbSNP rs1361332903, ClinGen allele CA394376308.

ClinVar aggregate classification (germline): Uncertain significance (1 of 4 stars; one submission).

Conditions:
Developmental and epileptic encephalopathy, 1 (DEE1). Also called: X-linked infantile spasms; West's syndrome; Tonic spasms with clustering, arrest of psychomotor development and hypsarrhythmia on EEG; X-Linked Infantile Spasm Syndrome; OHTAHARA SYNDROME, X-LINKED; INFANTILE SPASM SYNDROME, X-LINKED 1. Identifiers: MedGen C3463992, MONDO:0010632, OMIM 308350. Disease mechanism: loss of function.
Autosomal dominant nonsyndromic hearing loss 65. Also called: Deafness, autosomal dominant 65; TBC1D24-Related Autosomal Dominant Nonsyndromic Hearing Loss (DFNA). Identifiers: Orphanet 90635, MedGen C3892048, MONDO:0014470, OMIM 616044.

gnomAD v4.1: 6 of 1,612,824 alleles (0.00037%); highest among the groups gnomAD compares: South Asian, 0.0033%; 1 homozygote.

Submission:

Labcorp Genetics (formerly Invitae), Labcorp
Classification: Uncertain significance for Developmental and epileptic encephalopathy, 1; Autosomal dominant nonsyndromic hearing loss 65. Last evaluated: 2023-05-02. Review status: criteria provided, single submitter. Criteria: Invitae Variant Classification Sherloc (09022015). Collection method: clinical testing. Allele origin: germline.
Comment: In summary, the available evidence is currently insufficient to determine the role of this variant in disease. Therefore, it has been classified as a Variant of Uncertain Significance. Advanced modeling of protein sequence and biophysical properties (such as structural, functional, and spatial information, amino acid conservation, physicochemical variation, residue mobility, and thermodynamic stability) has been performed at Invitae for this missense variant, however the output from this modeling did not meet the statistical confidence thresholds required to predict the impact of this variant on TBC1D24 protein function. ClinVar contains an entry for this variant (Variation ID: 2101456). This variant has not been reported in the literature in individuals affected with TBC1D24-related conditions. This variant is present in population databases (no rsID available, gnomAD 0.006%), including at least one homozygous and/or hemizygous individual. This sequence change replaces aspartic acid, which is acidic and polar, with asparagine, which is neutral and polar, at codon 170 of the TBC1D24 protein (p.Asp170Asn).